The following is an entry in ClinVar:

NM_000937.5(POLR2A):c.811C>G (p.Arg271Gly)

Gene: POLR2A (RNA polymerase II subunit A; plus strand). Cytogenetic location: 17p13.1.
Variant type: single nucleotide variant.
Coding change: c.811C>G on transcript NM_000937.5 (MANE Select); coding-DNA position 811, C replaced by G.
Protein change: p.Arg271Gly; replaces arginine 271 with glycine.
Molecular consequence: missense variant.
Genome position (GRCh38, 1-based): chr17:7,497,037, C>G. VCF-style: chr17-7497037-C-G. GRCh37 (hg19) VCF-style: chr17-7400356-C-G.
Other names: short protein forms R271G.
Identifiers: ClinVar variation 3765741 (VCV003765741.1).

ClinVar aggregate classification (germline): Uncertain significance (1 of 4 stars; one submission).

Submission:

Greenwood Genetic Center Diagnostic Laboratories, Greenwood Genetic Center
Classification: Uncertain significance. Last evaluated: 2024-11-01. Review status: criteria provided, single submitter. Criteria: ACMG Guidelines, 2015. Collection method: clinical testing. Allele origin: germline. Affected: yes.
Comment: PM2, PP2